The following is an entry in ClinVar:

ClinVar aggregate classification (germline): Pathogenic. Review status: criteria provided, single submitter (1 of 4 stars). 2 submissions from 2 submitters: Pathogenic (1). 1 of the submissions does not count toward it. Last evaluated 2020-01-24.

Conditions:
Early-infantile DEE. Also called: Ohtahara syndrome; Early infantile epileptic encephalopathy with suppression bursts; Early infantile epileptic encephalopathy. Identifiers: Orphanet 1934, MedGen C0393706, MONDO:0800491.
Developmental and epileptic encephalopathy, 13 (DEE13). Also called: Early infantile epileptic encephalopathy 13; SCN8A-Related Epilepsy; Developmental and Epileptic Encephalopathy (SCN8A-DEE). Identifiers: Orphanet 442835, MedGen C3281191, MONDO:0013801, OMIM 614558.

Submissions (2):

Labcorp Genetics (formerly Invitae), Labcorp
Classification: Pathogenic for Early-infantile DEE. Last evaluated: 2020-01-24. Review status: criteria provided, single submitter. Criteria: Invitae Variant Classification Sherloc (09022015). Collection method: clinical testing. Allele origin: germline.
Comment: This sequence change replaces phenylalanine with serine at codon 260 of the SCN8A protein (p.Phe260Ser). The phenylalanine residue is highly conserved and there is a large physicochemical difference between phenylalanine and serine. For these reasons, this variant has been classified as Pathogenic. Algorithms developed to predict the effect of missense changes on protein structure and function are either unavailable or do not agree on the potential impact of this missense change (SIFT: "Deleterious"; PolyPhen-2: "Probably Damaging"; Align-GVGD: "Class C0"). This variant has been observed in individual(s) with clinical features of early infantile epileptic encephalopathy (PMID: 25568300, Invitae). In at least one individual the variant was observed to be de novo. ClinVar contains an entry for this variant (Variation ID: 253279). This variant is not present in population databases (ExAC no frequency).

GeneReviews
No classification provided. Condition: Developmental and epileptic encephalopathy, 13. Review status: no classification provided. Collection method: literature only. Allele origin: germline. Affected: yes. Not counted in ClinVar's aggregate classification.

Literature cited by the submitters: PubMed 25568300 (cited by Labcorp Genetics (formerly Invitae), Labcorp and GeneReviews); PubMed 26297079 (cited by GeneReviews); NCBI Bookshelf NBK379665 (cited by GeneReviews).

NM_001330260.2(SCN8A):c.779T>C (p.Phe260Ser)

Gene: SCN8A (sodium voltage-gated channel alpha subunit 8; plus strand). Cytogenetic location: 12q13.13.
Variant type: single nucleotide variant.
Coding change: c.779T>C on transcript NM_001330260.2 (MANE Select); coding-DNA position 779, T replaced by C.
Protein change: p.Phe260Ser; replaces phenylalanine 260 with serine.
Molecular consequence: missense variant.
Genome position (GRCh38, 1-based): chr12:51,699,642, T>C. VCF-style: chr12-51699642-T-C. GRCh37 (hg19) VCF-style: chr12-52093426-T-C.
Other names: c.779T>C, p.Phe260Ser (NM_001177984.3, NM_001369788.1, NM_014191.4); short protein forms F260S.
Identifiers: ClinVar variation 253279 (VCV000253279.12), dbSNP rs879255697, ClinGen allele CA10586288.